The following is an entry in ClinVar:

ClinVar aggregate classification (germline): Uncertain significance (1 of 4 stars; one submission).

Allele frequency attached by ClinVar (database versions not stated): gnomAD exomes below 0.00001; gnomAD 0.00001; TOPMed 0.00001.
gnomAD v4.1: 16 of 1,614,004 alleles (0.00099%); highest among the groups gnomAD compares: Middle Eastern, 0.016%; no homozygotes.

Submission:

Labcorp Genetics (formerly Invitae), Labcorp
Classification: Uncertain significance. Last evaluated: 2022-12-24. Review status: criteria provided, single submitter. Criteria: Invitae Variant Classification Sherloc (09022015). Collection method: clinical testing. Allele origin: germline.
Comment: This sequence change replaces arginine, which is basic and polar, with tryptophan, which is neutral and slightly polar, at codon 818 of the ARHGEF1 protein (p.Arg818Trp). This variant is not present in population databases (gnomAD no frequency). This variant has not been reported in the literature in individuals affected with ARHGEF1-related conditions. ClinVar contains an entry for this variant (Variation ID: 1443244). Algorithms developed to predict the effect of missense changes on protein structure and function are either unavailable or do not agree on the potential impact of this missense change (SIFT: "Deleterious"; PolyPhen-2: "Possibly Damaging"; Align-GVGD: "Class C0"). In summary, the available evidence is currently insufficient to determine the role of this variant in disease. Therefore, it has been classified as a Variant of Uncertain Significance.

NM_004706.4(ARHGEF1):c.2407C>T (p.Arg803Trp)

Gene: ARHGEF1 (Rho guanine nucleotide exchange factor 1; plus strand). Cytogenetic location: 19q13.2.
Variant type: single nucleotide variant.
Coding change: c.2407C>T on transcript NM_004706.4 (MANE Select); coding-DNA position 2407, C replaced by T.
Protein change: p.Arg803Trp; replaces arginine 803 with tryptophan.
Molecular consequence: missense variant.
Genome position (GRCh38, 1-based): chr19:41,905,941, C>T. VCF-style: chr19-41905941-C-T. GRCh37 (hg19) VCF-style: chr19-42410093-C-T.
Other names: c.2308C>T, p.Arg770Trp (NM_198977.2); c.2452C>T, p.Arg818Trp (NM_199002.2); short protein forms R818W, R770W, R803W.
Identifiers: ClinVar variation 1443244 (VCV001443244.8), dbSNP rs1568825943, ClinGen allele CA406068256.